The following is an entry in ClinVar:

ClinVar aggregate classification (germline): Uncertain significance (1 of 4 stars; one submission).

Conditions:
Nephronophthisis 15 (NPHP15). Identifiers: Orphanet 3156, MedGen C3541853, MONDO:0013917, OMIM 614845.

Allele frequency attached by ClinVar (database versions not stated): gnomAD exomes below 0.00001 and 0.00001; gnomAD 0.00002; TOPMed 0.00003.
gnomAD v4.1: 5 of 1,609,514 alleles (0.00031%); highest among the groups gnomAD compares: African/African-American, 0.0067%; no homozygotes.

Submission:

Labcorp Genetics (formerly Invitae), Labcorp
Classification: Uncertain significance for Nephronophthisis 15. Last evaluated: 2022-02-05. Review status: criteria provided, single submitter. Criteria: Invitae Variant Classification Sherloc (09022015). Collection method: clinical testing. Allele origin: germline.
Comment: In summary, the available evidence is currently insufficient to determine the role of this variant in disease. Therefore, it has been classified as a Variant of Uncertain Significance. Variants that disrupt the consensus splice site are a relatively common cause of aberrant splicing (PMID: 17576681, 9536098). Algorithms developed to predict the effect of sequence changes on RNA splicing suggest that this variant may disrupt the consensus splice site. ClinVar contains an entry for this variant (Variation ID: 941188). This variant has not been reported in the literature in individuals affected with CEP164-related conditions. This variant is present in population databases (no rsID available, gnomAD 0.02%). This sequence change falls in intron 27 of the CEP164 gene. It does not directly change the encoded amino acid sequence of the CEP164 protein. It affects a nucleotide within the consensus splice site.

Literature cited by the submitters: PubMed 17576681; PubMed 9536098.

NM_014956.5(CEP164):c.3501+4A>G

Gene: CEP164 (centrosomal protein 164; plus strand). Cytogenetic location: 11q23.3.
Variant type: single nucleotide variant.
Coding change: c.3501+4A>G on transcript NM_014956.5 (MANE Select); 4 bases into the intron after coding-DNA position 3501, A replaced by G.
Molecular consequence: intron variant.
Genome position (GRCh38, 1-based): chr11:117,397,317, A>G. VCF-style: chr11-117397317-A-G. GRCh37 (hg19) VCF-style: chr11-117268033-A-G.
Other names: c.3510+4A>G (NM_001271933.2).
Identifiers: ClinVar variation 941188 (VCV000941188.7), dbSNP rs1180692184, ClinGen allele CA601841521.